The following is an entry in ClinVar:

NM_001142966.3(GREB1L):c.3959G>C (p.Gly1320Ala)

Gene: GREB1L (GREB1 like retinoic acid receptor coactivator; plus strand). Cytogenetic location: 18q11.2.
Variant type: single nucleotide variant.
Coding change: c.3959G>C on transcript NM_001142966.3 (MANE Select); coding-DNA position 3959, G replaced by C.
Protein change: p.Gly1320Ala; replaces glycine 1320 with alanine.
Molecular consequence: missense variant.
Genome position (GRCh38, 1-based): chr18:21,500,296, G>C. VCF-style: chr18-21500296-G-C. GRCh37 (hg19) VCF-style: chr18-19080257-G-C.
Other names: c.4088G>C, p.Gly1363Ala (NM_001410867.1); c.3632G>C, p.Gly1211Ala (NM_001410868.1); short protein forms G1211A, G1320A, G1363A.
Identifiers: ClinVar variation 4696893 (VCV004696893.1).

ClinVar aggregate classification (germline): Uncertain significance (1 of 4 stars; one submission).

gnomAD v4.1: 2 of 1,280,642 alleles (0.00016%); highest among the groups gnomAD compares: Non-Finnish European, 0.00022%; no homozygotes.

Submission:

Labcorp Genetics (formerly Invitae), Labcorp
Classification: Uncertain significance. Last evaluated: 2026-01-26. Review status: criteria provided, single submitter. Criteria: Invitae Variant Classification Sherloc (09022015). Collection method: clinical testing. Allele origin: germline.
Comment: This sequence change replaces glycine, which is neutral and non-polar, with alanine, which is neutral and non-polar, at codon 1320 of the GREB1L protein (p.Gly1320Ala). This variant is present in population databases (rs771967216, gnomAD 0.009%). This variant has not been reported in the literature in individuals affected with GREB1L-related conditions. An algorithm developed to predict the effect of missense changes on protein structure and function (PolyPhen-2) suggests that this variant is likely to be tolerated. In summary, the available evidence is currently insufficient to determine the role of this variant in disease. Therefore, it has been classified as a Variant of Uncertain Significance.